The following is an entry in ClinVar:

ClinVar aggregate classification (germline): Uncertain significance (1 of 4 stars; one submission).

Conditions:
Cardiovascular phenotype. Identifiers: MedGen CN230736.
Hereditary cancer-predisposing syndrome. Also called: Neoplastic Syndromes, Hereditary; Tumor predisposition; Hereditary neoplastic syndrome; Hereditary Cancer Syndrome. Identifiers: Orphanet 140162, MedGen C0027672, MeSH D009386, MONDO:0015356.

Submission:

Ambry Genetics
Classification: Uncertain significance for Cardiovascular phenotype; Hereditary cancer-predisposing syndrome. Last evaluated: 2026-09-09. Review status: criteria provided, single submitter. Criteria: Ambry Variant Classification Scheme 2023. Collection method: clinical testing. Allele origin: germline.
Comment: The p.A545T variant (also known as c.1633G>A), located in coding exon 14 of the NF1 gene, results from a G to A substitution at nucleotide position 1633. The alanine at codon 545 is replaced by threonine, an amino acid with similar properties. This amino acid position is highly conserved in available vertebrate species. In addition, the in silico prediction for this alteration is inconclusive. Based on the available evidence, the clinical significance of this variant remains unclear.

NM_001042492.3(NF1):c.1633G>A (p.Ala545Thr)

Gene: NF1 (neurofibromin 1; plus strand). Cytogenetic location: 17q11.2.
Variant type: single nucleotide variant.
Coding change: c.1633G>A on transcript NM_001042492.3 (MANE Select); coding-DNA position 1633, G replaced by A.
Protein change: p.Ala545Thr; replaces alanine 545 with threonine.
Molecular consequence: missense variant.
Genome position (GRCh38, 1-based): chr17:31,219,110, G>A. VCF-style: chr17-31219110-G-A. GRCh37 (hg19) VCF-style: chr17-29546128-G-A.
Other names: c.1633G>A, p.Ala545Thr (NM_000267.4, NM_001128147.3); short protein forms A545T.
Identifiers: ClinVar variation 5025642 (VCV005025642.1).
Genomic context (GRCh38, chr17:31,219,110, plus strand): 5'-TTAATTACAGGGCTCGTCCAACTGGTCCCTCAGTCACACATGCCAGAGATTGCTCAGGAA[G>A]CAATGGAGGTAAGGGGAAAATGAATTCCATGTTCTTGAAGGAAAGATTGTAACTATGTAC-3'
Protein context (NP_001035957.1, residues 535-555): QSHMPEIAQE[Ala545Thr]MEALLVLHQL